The following is an entry in ClinVar:

ClinVar aggregate classification (germline): Uncertain significance (1 of 4 stars; one submission).

gnomAD v4.1: 3 of 1,515,714 alleles (0.0002%); highest among the groups gnomAD compares: Non-Finnish European, 0.00018%; no homozygotes.

Submission:

Labcorp Genetics (formerly Invitae), Labcorp
Classification: Uncertain significance. Last evaluated: 2025-01-13. Review status: criteria provided, single submitter. Criteria: Invitae Variant Classification Sherloc (09022015). Collection method: clinical testing. Allele origin: germline.
Comment: This sequence change replaces threonine, which is neutral and polar, with arginine, which is basic and polar, at codon 206 of the HMX1 protein (p.Thr206Arg). This variant is not present in population databases (gnomAD no frequency). This variant has not been reported in the literature in individuals affected with HMX1-related conditions. ClinVar contains an entry for this variant (Variation ID: 933959). Invitae Evidence Modeling of protein sequence and biophysical properties (such as structural, functional, and spatial information, amino acid conservation, physicochemical variation, residue mobility, and thermodynamic stability) indicates that this missense variant is not expected to disrupt HMX1 protein function with a negative predictive value of 80%. In summary, the available evidence is currently insufficient to determine the role of this variant in disease. Therefore, it has been classified as a Variant of Uncertain Significance.

NM_018942.3(HMX1):c.617C>G (p.Thr206Arg)

Gene: HMX1 (H6 family homeobox 1; minus strand). Cytogenetic location: 4p16.1.
Variant type: single nucleotide variant.
Coding change: c.617C>G on transcript NM_018942.3 (MANE Select); coding-DNA position 617, C replaced by G.
Protein change: p.Thr206Arg; replaces threonine 206 with arginine.
Molecular consequence: missense variant. On other transcripts: intron variant (1).
Genome position (GRCh38, 1-based): chr4:8,868,123, G>C on the plus strand (C>G on the coding strand, the complement: HMX1 is on the minus strand). VCF-style: chr4-8868123-G-C. GRCh37 (hg19) VCF-style: chr4-8869849-G-C.
Other names: c.394+3098C>G (NM_001306142.2); short protein forms T206R.
Identifiers: ClinVar variation 933959 (VCV000933959.9), dbSNP rs892961907, ClinGen allele CA356278185.